The following is an entry in ClinVar:

NM_003482.4(KMT2D):c.4807C>G (p.Leu1603Val)

Gene: KMT2D (lysine methyltransferase 2D; minus strand). Cytogenetic location: 12q13.12.
Variant type: single nucleotide variant.
Coding change: c.4807C>G on transcript NM_003482.4 (MANE Select); coding-DNA position 4807, C replaced by G.
Protein change: p.Leu1603Val; replaces leucine 1603 with valine.
Molecular consequence: missense variant.
Genome position (GRCh38, 1-based): chr12:49,044,900, G>C on the plus strand (C>G on the coding strand, the complement: KMT2D is on the minus strand). VCF-style: chr12-49044900-G-C. GRCh37 (hg19) VCF-style: chr12-49438683-G-C.
Other names: short protein forms L1603V.
Identifiers: ClinVar variation 3635155 (VCV003635155.2).
Genomic context (GRCh38, chr12:49,044,900, plus strand): 5'-CGCCTGGGAGGCCAAGCCGTCCTCGCCGTTGGCGCCGCTTGTGCAGTGGTGACATGGTCA[G>C]GTTACGCAGCAAGGCCATGCCAGTTTCTGTCAGCCACACACCTTCGAAGCGAAAGTACTG-3'
Protein context (NP_003473.3, residues 1593-1613): TETGMALLRN[Leu1603Val]TMSPLHKRRQ

ClinVar aggregate classification (germline): Uncertain significance (1 of 4 stars; one submission).

Conditions:
Kabuki syndrome. Also called: NIIKAWA-KUROKI SYNDROME; Kabuki make-up syndrome. Identifiers: Orphanet 2322, MedGen C0796004, MONDO:0016512.

Submission:

Labcorp Genetics (formerly Invitae), Labcorp
Classification: Uncertain significance for Kabuki syndrome. Last evaluated: 2024-09-17. Review status: criteria provided, single submitter. Criteria: Invitae Variant Classification Sherloc (09022015). Collection method: clinical testing. Allele origin: germline.
Comment: This sequence change replaces leucine, which is neutral and non-polar, with valine, which is neutral and non-polar, at codon 1603 of the KMT2D protein (p.Leu1603Val). This variant is not present in population databases (gnomAD no frequency). This variant has not been reported in the literature in individuals affected with KMT2D-related conditions. Invitae Evidence Modeling of protein sequence and biophysical properties (such as structural, functional, and spatial information, amino acid conservation, physicochemical variation, residue mobility, and thermodynamic stability) has been performed for this missense variant. However, the output from this modeling did not meet the statistical confidence thresholds required to predict the impact of this variant on KMT2D protein function. In summary, the available evidence is currently insufficient to determine the role of this variant in disease. Therefore, it has been classified as a Variant of Uncertain Significance.